The following is an entry in ClinVar:

ClinVar aggregate classification (germline): Pathogenic (1 of 4 stars; one submission).

Submission:

Labcorp Genetics (formerly Invitae), Labcorp
Classification: Pathogenic. Last evaluated: 2023-01-13. Review status: criteria provided, single submitter. Criteria: Invitae Variant Classification Sherloc (09022015). Collection method: clinical testing. Allele origin: germline.
Comment: This sequence change creates a premature translational stop signal (p.Asp144Alafs*6) in the C1QBP gene. It is expected to result in an absent or disrupted protein product. Loss-of-function variants in C1QBP are known to be pathogenic (PMID: 28498888, 28942965). This variant is not present in population databases (gnomAD no frequency). This variant has not been reported in the literature in individuals affected with C1QBP-related conditions. For these reasons, this variant has been classified as Pathogenic.

Literature cited by the submitters: PubMed 28498888; PubMed 28942965.

NM_001212.4(C1QBP):c.429_448del (p.Asp144fs)

Gene: C1QBP (complement C1q binding protein; minus strand). Cytogenetic location: 17p13.2.
Variant type: Deletion.
Coding change: c.429_448del on transcript NM_001212.4 (MANE Select); coding-DNA positions 429 to 448, 20 bases deleted (TGATGGTGAGGAGGAACCCT).
Protein change: p.Asp144fs; shifts the reading frame from aspartic acid 144.
Molecular consequence: frameshift variant.
Genome position (GRCh38, 1-based): chr17:5,434,902-5,434,921, AGGGTTCCTCCTCACCATCA deleted on the plus strand (TGATGGTGAGGAGGAACCCT on the coding strand, the reverse complement: C1QBP is on the minus strand); deleting any 20 consecutive bases within chr17:5,434,902-5,434,922 gives the same sequence; the c. name uses the placement nearest the transcript's 3' end. VCF-style (leftmost placement, unchanged base first): chr17-5434901-GAGGGTTCCTCCTCACCATCA-G. GRCh37 (hg19) VCF-style: chr17-5338221-GAGGGTTCCTCCTCACCATCA-G.
Other names: short protein forms D144fs.
Identifiers: ClinVar variation 2828245 (VCV002828245.3), dbSNP rs2507765998, ClinGen allele CA2635658725.